The following is an entry in ClinVar:

ClinVar aggregate classification (germline): Uncertain significance. Review status: criteria provided, single submitter (1 of 4 stars). 3 submissions from 1 submitter: Uncertain significance (3).

Conditions:
Bilateral parasagittal parieto-occipital polymicrogyria. Also called: Polymicrogyria, bilateral temporooccipital. Identifiers: Orphanet 208441, MedGen C4013648, MONDO:0012986, OMIM 612691.
Yunis-Varon syndrome (YVS). Also called: Cleidocranial dysplasia, micrognathia, absent thumbs, & distal aphalangia. Identifiers: Orphanet 3472, MedGen C1857663, MONDO:0008995, OMIM 216340.
Charcot-Marie-Tooth disease type 4J (CMT4J). Also called: Charcot-Marie-Tooth Neuropathy Type 4J; CHARCOT-MARIE-TOOTH DISEASE, AUTOSOMAL RECESSIVE, TYPE 4J; CHARCOT-MARIE-TOOTH DISEASE, DEMYELINATING, TYPE 4J. Identifiers: Orphanet 139515, MedGen C1970011, MONDO:0012640, OMIM 611228.

Allele frequency attached by ClinVar (database versions not stated): gnomAD exomes below 0.00001.
gnomAD v4.1: 4 of 1,612,138 alleles (0.00025%); highest among the groups gnomAD compares: South Asian, 0.0044%; no homozygotes.

Submissions (3):

Neuberg Centre For Genomic Medicine, NCGM
Classification: Uncertain significance for Yunis-Varon syndrome. Review status: criteria provided, single submitter. Criteria: ACMG Guidelines, 2015. Collection method: clinical testing. Allele origin: germline. Inheritance: Autosomal recessive inheritance. Affected: yes.
Comment: The missense variant in c.504C>G (p.Ser168Arg) in FIG4 gene has not been reported previously as a pathogenic variant nor as a benign variant, to our knowledge. The p.Ser168Arg variant is reported with the allele frequency of 0.0007969% and is novel (not in any individuals) in 1000 Genomes. The amino acid Ser at position 168 is changed to a Arg changing protein sequence and it might alter its composition and physico-chemical properties. The amino acid change p.Ser168Arg in FIG4 is predicted as conserved by GERP++ and PhyloP across 100 vertebrates. Another missense variant c.506A>C p.(Tyr169Ser) in FIG4 gene has been reported previously in different codon (Wright et al}. For these reasons, this variant has been classified as uncertain significance.

Neuberg Centre For Genomic Medicine, NCGM
Classification: Uncertain significance for Charcot-Marie-Tooth disease type 4J. Review status: criteria provided, single submitter. Criteria: ACMG Guidelines, 2015. Collection method: clinical testing. Allele origin: germline. Inheritance: Autosomal recessive inheritance. Affected: yes.
Comment: the same text as in the submission from Neuberg Centre For Genomic Medicine, NCGM above.

Neuberg Centre For Genomic Medicine, NCGM
Classification: Uncertain significance for Bilateral parasagittal parieto-occipital polymicrogyria. Review status: criteria provided, single submitter. Criteria: ACMG Guidelines, 2015. Collection method: clinical testing. Allele origin: germline. Inheritance: Autosomal recessive inheritance. Affected: yes.
Comment: the same text as in the submission from Neuberg Centre For Genomic Medicine, NCGM above.

NM_014845.6(FIG4):c.504C>G (p.Ser168Arg)

Gene: FIG4 (FIG4 phosphoinositide 5-phosphatase; plus strand). Cytogenetic location: 6q21.
Variant type: single nucleotide variant.
Coding change: c.504C>G on transcript NM_014845.6 (MANE Select); coding-DNA position 504, C replaced by G.
Protein change: p.Ser168Arg; replaces serine 168 with arginine.
Molecular consequence: missense variant.
Genome position (GRCh38, 1-based): chr6:109,735,156, C>G. VCF-style: chr6-109735156-C-G. GRCh37 (hg19) VCF-style: chr6-110056359-C-G.
Other names: short protein forms S168R.
Identifiers: ClinVar variation 2585617 (VCV002585617.1), dbSNP rs1292275404, ClinGen allele CA365219037.
Genomic context (GRCh38, chr6:109,735,156, plus strand): 5'-CATGAAATATGCTTTGCTTTTGTAATTCTTATTAAGTTTCAATTCTGTTCTCAGTTACAG[C>G]TATGATTTGTCCCACTCACTTCAATATAATCTCACTGTCTTGCGAATGCCCCTGGAGATG-3'
Protein context (NP_055660.1, residues 158-178): DLSSNFYFSY[Ser168Arg]YDLSHSLQYN